The following is an entry in ClinVar:

ClinVar aggregate classification (germline): Likely benign (0 of 4 stars; one submission).

Conditions:
SAMD14-related disorder. Also called: SAMD14-related condition.

Allele frequency attached by ClinVar (database versions not stated): gnomAD exomes 0.00007; ExAC 0.00029; 1000 Genomes Project 30x 0.00125; 1000 Genomes Project 0.00140.
gnomAD v4.1: 154 of 1,613,678 alleles (0.0095%); highest among the groups gnomAD compares: East Asian, 0.24%; 2 homozygotes.

Submission:

PreventionGenetics, part of Exact Sciences
Classification: Likely benign for SAMD14-related condition. Last evaluated: 2022-03-16. Review status: no assertion criteria provided. Collection method: clinical testing. Allele origin: germline.
Comment: This variant is classified as likely benign based on ACMG/AMP sequence variant interpretation guidelines (Richards et al. 2015 PMID: 25741868, with internal and published modifications).

NM_001257359.2(SAMD14):c.1021G>A (p.Glu341Lys)

Gene: SAMD14 (sterile alpha motif domain containing 14; minus strand). Cytogenetic location: 17q21.33.
Variant type: single nucleotide variant.
Coding change: c.1021G>A on transcript NM_001257359.2 (MANE Select); coding-DNA position 1021, G replaced by A.
Protein change: p.Glu341Lys; replaces glutamic acid 341 with lysine.
Molecular consequence: missense variant.
Genome position (GRCh38, 1-based): chr17:50,114,001, C>T on the plus strand (G>A on the coding strand, the complement: SAMD14 is on the minus strand). VCF-style: chr17-50114001-C-T. GRCh37 (hg19) VCF-style: chr17-48191365-C-T.
Other names: c.1105G>A, p.Glu369Lys (NM_174920.4); short protein forms E341K, E369K.
Identifiers: ClinVar variation 3037503 (VCV003037503.2), dbSNP rs115926127, ClinGen allele CA8642765.
Genomic context (GRCh38, chr17:50,114,001, plus strand): 5'-CCAGCTGCAGCAGCTGCGGCCCGTCTACCTGCCGTGCAGCAAACTCAGCAGCATACTGTT[C>T]CAGGTTGAGGCTCTGCAGCCACTGGCCCACCTGCTGGCTGGTCCAGTGGTGGACAGGGGG-3'
Protein context (NP_001244288.1, residues 331-351): VGQWLQSLNL[Glu341Lys]QYAAEFAARQ